The following is an entry in ClinVar:

ClinVar aggregate classification (germline): Likely benign (1 of 4 stars; one submission).

Submission:

Women's Health and Genetics/Laboratory Corporation of America, LabCorp
Classification: Likely benign. Last evaluated: 2026-01-28. Review status: criteria provided, single submitter. Criteria: LabCorp Variant Classification Summary - May 2015. Collection method: clinical testing. Allele origin: germline.
Comment: Variant summary: CYBB c.484-23_484-14del10 alters a nucleotide located at a position not widely known to affect splicing. Consensus agreement among computation tools predict no significant impact on normal splicing. However, these predictions have yet to be confirmed by functional studies. The variant was absent in 183332 control chromosomes. The available data on variant occurrences in the general population are insufficient to allow any conclusion about variant significance. To our knowledge, no occurrence of c.484-23_484-14del10 in individuals affected with CYBB-related conditions and no experimental evidence demonstrating its impact on protein function have been reported. No submitters have cited clinical-significance assessments for this variant to ClinVar. Based on the evidence outlined above, the variant was classified as likely benign.

NM_000397.4(CYBB):c.484-60TG[18]

Gene: CYBB (cytochrome b-245 beta chain; plus strand). Cytogenetic location: Xp21.1.
Variant type: Microsatellite.
Coding change: c.484-60TG[18] on transcript NM_000397.4 (MANE Select); 18 copies in a row of the 2-base unit TG starting at c.484-60.
Molecular consequence: intron variant.
Genome position: GRCh38 VCF-style: chrX-37795890-ATGTGTGTGTG-A. GRCh37 (hg19) VCF-style: chrX-37655143-ATGTGTGTGTG-A.
Other names: c.484-23_484-14del10 (NM_000397.4).
Identifiers: ClinVar variation 4689157 (VCV004689157.1).